The following is an entry in ClinVar:

NM_004700.4(KCNQ4):c.1316G>A (p.Arg439His)

Gene: KCNQ4 (potassium voltage-gated channel subfamily Q member 4; plus strand). Cytogenetic location: 1p34.2.
Variant type: single nucleotide variant.
Coding change: c.1316G>A on transcript NM_004700.4 (MANE Select); coding-DNA position 1316, G replaced by A.
Protein change: p.Arg439His; replaces arginine 439 with histidine.
Molecular consequence: missense variant.
Genome position (GRCh38, 1-based): chr1:40,831,107, G>A. VCF-style: chr1-40831107-G-A. GRCh37 (hg19) VCF-style: chr1-41296779-G-A.
Other names: c.1154G>A, p.Arg385His (NM_172163.3); c.1316G>A (NM_004700.3); short protein forms R439H, R385H.
Identifiers: ClinVar variation 4749724 (VCV004749724.2).

ClinVar aggregate classification (germline): Uncertain significance. Review status: criteria provided, multiple submitters, no conflicts (2 of 4 stars). 2 submissions from 2 submitters: Uncertain significance (2). Last evaluated 2025-10-29.

Conditions:
KCNQ4-related disorder. Also called: KCNQ4-related condition.

gnomAD v4.1: 30 of 1,602,342 alleles (0.0019%); highest among the groups gnomAD compares: Middle Eastern, 0.016%; no homozygotes.

Submissions (2):

PreventionGenetics, part of Exact Sciences
Classification: Uncertain significance for KCNQ4-related condition. Last evaluated: 2025-10-29. Review status: criteria provided, single submitter. Criteria: ACMG Guidelines, 2015. Collection method: clinical testing. Allele origin: germline.
Comment: The KCNQ4 c.1316G>A variant is predicted to result in the amino acid substitution p.Arg439His. This variant was reported in an individual with age-related hearing loss (Boucher et al. 2020. PubMed ID: 33229591). This variant is reported in 0.010% of alleles in individuals of Ashkenazi Jewish descent in gnomAD. At this time, the clinical significance of this variant is uncertain due to the absence of conclusive functional and genetic evidence.

Labcorp Genetics (formerly Invitae), Labcorp
Classification: Uncertain significance. Last evaluated: 2025-05-08. Review status: criteria provided, single submitter. Criteria: Invitae Variant Classification Sherloc (09022015). Collection method: clinical testing. Allele origin: germline.
Comment: This sequence change replaces arginine, which is basic and polar, with histidine, which is basic and polar, at codon 439 of the KCNQ4 protein (p.Arg439His). The frequency data for this variant in the population databases is considered unreliable, as metrics indicate poor data quality at this position in the gnomAD database. This missense change has been observed in individual(s) with deafness (PMID: 33229591). Invitae Evidence Modeling of protein sequence and biophysical properties (such as structural, functional, and spatial information, amino acid conservation, physicochemical variation, residue mobility, and thermodynamic stability) has been performed for this missense variant. However, the output from this modeling did not meet the statistical confidence thresholds required to predict the impact of this variant on KCNQ4 protein function. In summary, the available evidence is currently insufficient to determine the role of this variant in disease. Therefore, it has been classified as a Variant of Uncertain Significance.

Literature cited by the submitters: PubMed 33229591 (cited by Labcorp Genetics (formerly Invitae), Labcorp).